The following is an entry in ClinVar:

NM_024675.4(PALB2):c.3201+5_3201+8del

Gene: PALB2 (partner and localizer of BRCA2; minus strand). Cytogenetic location: 16p12.2.
Variant type: Microsatellite.
Coding change: c.3201+5_3201+8del on transcript NM_024675.4 (MANE Select); bases 5 to 8 of the intron after coding-DNA position 3201, 4 bases deleted (GTAA; older notation c.3201+5_3201+8delGTAA).
Molecular consequence: splice donor variant.
Genome position (GRCh38, 1-based): chr16:23,613,996-23,613,999, TTAC deleted on the plus strand (GTAA on the coding strand, the reverse complement: PALB2 is on the minus strand); deleting any 4 consecutive bases within chr16:23,613,996-23,614,003 gives the same sequence; the c. name uses the placement nearest the transcript's 3' end. VCF-style (leftmost placement, unchanged base first): chr16-23613995-ATTAC-A. GRCh37 (hg19) VCF-style: chr16-23625316-ATTAC-A.
Other names: c.3201+5_3201+8delGTAA (NM_024675.3).
Identifiers: ClinVar variation 246099 (VCV000246099.10), dbSNP rs879254100, ClinGen allele CA10584504.
Genomic context (GRCh38, chr16:23,613,995, plus strand): 5'-TGACTTACTGCTCTCACTTAATGAGACCAACAGTAACACACAAAGTGGTCCCAGCCAGTC[ATTAC>A]TTACCATTTCAGAATAGGCTTTGTGACAGACTGAAGCTTGGTAAGAATCATCAATGTGCA-3'

ClinVar aggregate classification (germline): Conflicting classifications of pathogenicity. Review status: criteria provided, conflicting classifications (1 of 4 stars). 3 submissions from 3 submitters: Likely pathogenic (1); Uncertain significance (2). Last evaluated 2026-04-27.

Conditions:
Hereditary cancer-predisposing syndrome. Also called: Neoplastic Syndromes, Hereditary; Hereditary Cancer Syndrome; Tumor predisposition; Hereditary neoplastic syndrome. Identifiers: Orphanet 140162, MedGen C0027672, MeSH D009386, MONDO:0015356.
Familial cancer of breast. Also called: hereditary breast carcinoma; BREAST CANCER, FAMILIAL; Hereditary breast cancer. Identifiers: Orphanet 227535, MedGen C0346153, MONDO:0016419, OMIM 114480. Disease mechanism: loss of function.

Submissions (3):

Ambry Genetics
Classification: Likely pathogenic for Hereditary cancer-predisposing syndrome. Last evaluated: 2026-04-27. Review status: criteria provided, single submitter. Criteria: Ambry Variant Classification Scheme 2023. Collection method: clinical testing. Allele origin: germline.
Comment: The c.3201+5_3201+8delGTAA intronic variant begins 5 nucleotides after coding exon 11 in the PALB2 gene. This variant results from a deletion of 4 nucleotides at positions c.3201+5 to c.3201+8. This nucleotide region is not well conserved in available vertebrate species. In silico splice site analysis predicts that this alteration will weaken the native splice donor site. RNA studies have demonstrated that this variant results in abnormal splicing in the set of samples tested (Ambry internal data). Based on the majority of available evidence to date, this variant is likely to be pathogenic.

Labcorp Genetics (formerly Invitae), Labcorp
Classification: Uncertain significance for Familial cancer of breast. Last evaluated: 2025-11-17. Review status: criteria provided, single submitter. Criteria: Invitae Variant Classification Sherloc (09022015). Collection method: clinical testing. Allele origin: germline.
Comment: This sequence change falls in intron 11 of the PALB2 gene. It does not directly change the encoded amino acid sequence of the PALB2 protein. It affects a nucleotide within the consensus splice site. This variant is not present in population databases (gnomAD no frequency). This variant has not been reported in the literature in individuals affected with PALB2-related conditions. Variants that disrupt the consensus splice site are a relatively common cause of aberrant splicing (PMID: 17576681, 9536098). Algorithms developed to predict the effect of sequence changes on RNA splicing suggest that this variant may disrupt the consensus splice site. In summary, the available evidence is currently insufficient to determine the role of this variant in disease. Therefore, it has been classified as a Variant of Uncertain Significance.

GeneDx
Classification: Uncertain significance. Last evaluated: 2015-11-10. Review status: criteria provided, single submitter. Criteria: GeneDx Variant Classification (06012015). Collection method: clinical testing. Allele origin: germline. Affected: yes.
Comment: This variant is denoted PALB2 IVS11+5_IVS11+8delGTAA or c.3201+5_3201+8delGTAA and consists of a deletion of four nucleotides at the +5 to +8 position in intron 11 of the PALB2 gene. The normal sequence with the bases that are deleted in braces is gtaa[gtaa]tgac. Multiple in silico models predict this variant to damage the nearby splice donor site, and to possibly cause abnormal gene splicing. However, in the absence of RNA or functional studies, the actual effect of this variant is unknown. PALB2 c.3201+5_3201+8delGTAA was not observed in approximately 6,500 individuals of European and African American ancestry in the NHLBI Exome Sequencing Project, indicating it is not a common benign variant in these populations. Based on the currently available information, we consider PALB2 c.3201+5_3201+8delGTAA to be a variant of uncertain significance.

Literature cited by the submitters: PubMed 17576681 (cited by Labcorp Genetics (formerly Invitae), Labcorp); PubMed 9536098 (cited by Labcorp Genetics (formerly Invitae), Labcorp).